The following is an entry in ClinVar:

NM_012282.4(KCNE5):c.330C>T (p.Thr110=)

Gene: KCNE5 (potassium voltage-gated channel subfamily E regulatory subunit 5; minus strand). Cytogenetic location: Xq23.
Variant type: single nucleotide variant.
Coding change: c.330C>T on transcript NM_012282.4 (MANE Select); coding-DNA position 330, C replaced by T.
Protein change: p.Thr110=; no amino-acid change (threonine 110 retained).
Molecular consequence: synonymous variant.
Genome position (GRCh38, 1-based): chrX:109,624,691, G>A on the plus strand (C>T on the coding strand, the complement: KCNE5 is on the minus strand). VCF-style: chrX-109624691-G-A. GRCh37 (hg19) VCF-style: chrX-108867920-G-A.
Identifiers: ClinVar variation 2449946 (VCV002449946.4), dbSNP rs757868800, ClinGen allele CA10490849.
Genomic context (GRCh38, chrX:109,624,691, plus strand): 5'-CTCGGAGGCAAGCTGGCGGCGGCCCTCGGCCTGGGAGCCCGCGGCAGCCTCGGCGTCGGC[G>A]GTCAGGGCGCCTCCCGGGGCCCATTCGTGCTCGGCGCAAGCCTGGGACGGCTCGTCCTTG-3'
Protein context (NP_036414.1, residues 100-120): EHEWAPGGAL[Thr110=]ADAEAAAGSQ

ClinVar aggregate classification (germline): Conflicting classifications of pathogenicity. Review status: criteria provided, conflicting classifications (1 of 4 stars). 2 submissions from 2 submitters: Uncertain significance (1); Likely benign (1). Last evaluated 2024-03-18.

Conditions:
Brugada syndrome. Also called: Sudden unexpected nocturnal death syndrome; Sudden unexplained nocturnal death syndrome; Sudden Unexplained Death Syndrome; Sudden Unexplained Nocturnal Death Syndrome (SUNDS). Identifiers: Orphanet 130, MedGen C1142166, MONDO:0015263.

Allele frequency attached by ClinVar (database versions not stated): gnomAD exomes below 0.00001; gnomAD 0.00001; TOPMed 0.00002; ExAC 0.00007.

Submissions (2):

Labcorp Genetics (formerly Invitae), Labcorp
Classification: Uncertain significance for Brugada syndrome. Last evaluated: 2024-03-18. Review status: criteria provided, single submitter. Criteria: Invitae Variant Classification Sherloc (09022015). Collection method: clinical testing. Allele origin: germline.
Comment: This sequence change affects codon 110 of the KCNE5 mRNA. It is a 'silent' change, meaning that it does not change the encoded amino acid sequence of the KCNE5 protein. This variant is present in population databases (rs757868800, gnomAD 0.03%). This variant has not been reported in the literature in individuals affected with KCNE5-related conditions. ClinVar contains an entry for this variant (Variation ID: 2449946). In summary, the available evidence is currently insufficient to determine the role of this variant in disease. Therefore, it has been classified as a Variant of Uncertain Significance.

Ambry Genetics
Classification: Likely benign. Last evaluated: 2022-11-20. Review status: criteria provided, single submitter. Criteria: Ambry Variant Classification Scheme 2023. Collection method: clinical testing. Allele origin: germline.